The following is an entry in ClinVar:

ClinVar aggregate classification (germline): Uncertain significance (1 of 4 stars; one submission).

Conditions:
Autosomal dominant Robinow syndrome. Identifiers: Orphanet 3107, MedGen C5200540, MONDO:0008389.

gnomAD v4.1: 1 of 1,614,122 alleles (0.000062%); highest among the groups gnomAD compares: Non-Finnish European, 0.000085%; no homozygotes.

Submission:

Molecular Genetics, Royal Melbourne Hospital
Classification: Uncertain significance for Autosomal dominant Robinow syndrome. Last evaluated: 2025-02-06. Review status: criteria provided, single submitter. Criteria: ACMG Guidelines, 2015. Collection method: clinical testing. Allele origin: germline. Inheritance: Autosomal dominant inheritance.
Comment: This sequence change in WNT5A is predicted to replace glycine with asparagine at codon 331, p.(Gly331Asp). The glycine residue is highly conserved (100 vertebrates, Multiz Alignments), and is not located in an annotated domain. There is a moderate physicochemical difference between glycine and asparagine. The highest population minor allele frequency in the population database gnomAD v4.1 is 0.00009% (1/1,179,970 alleles) in the European (non-Finnish) population, consistent with autosomal dominant disease. To our knowledge, this variant is novel and has not been previously reported in the relevant scientific literature or databases. Computational evidence predicts a deleterious effect for the missense substitution (REVEL = 0.79). Based on the classification scheme RMH Modified ACMG/AMP Guidelines v1.7.1, this variant is classified as VARIANT OF UNCERTAIN SIGNIFICANCE. Following criteria are met: PM2_Supporting, PP3_Moderate.

NM_003392.7(WNT5A):c.992G>A (p.Gly331Asp)

Gene: WNT5A (Wnt family member 5A; minus strand). Cytogenetic location: 3p14.3.
Variant type: single nucleotide variant.
Coding change: c.992G>A on transcript NM_003392.7 (MANE Select); coding-DNA position 992, G replaced by A.
Protein change: p.Gly331Asp; replaces glycine 331 with aspartic acid.
Molecular consequence: missense variant.
Genome position (GRCh38, 1-based): chr3:55,470,243, C>T on the plus strand (G>A on the coding strand, the complement: WNT5A is on the minus strand). VCF-style: chr3-55470243-C-T. GRCh37 (hg19) VCF-style: chr3-55504271-C-T.
Other names: c.947G>A, p.Gly316Asp (NM_001256105.1, NM_001377271.1, NM_001377272.1); short protein forms G316D, G331D.
Identifiers: ClinVar variation 3773755 (VCV003773755.1).